The following is an entry in ClinVar:

ClinVar aggregate classification (germline): Uncertain significance. Review status: criteria provided, multiple submitters, no conflicts (2 of 4 stars). 2 submissions from 2 submitters: Uncertain significance (2). Last evaluated 2023-12-05.

Conditions:
Inborn genetic diseases. Identifiers: MedGen C0950123, MeSH D030342.
Retinitis pigmentosa 20 (RP20). Identifiers: Orphanet 791, MedGen C3151086, MONDO:0013425, OMIM 613794.
Leber congenital amaurosis 2 (LCA2). Also called: Autosomal Recessive RPE65-Related Retinal Degeneration; AMAUROSIS CONGENITA OF LEBER II. Identifiers: Orphanet 65, MedGen C1859844, MONDO:0008765, OMIM 204100. Disease mechanism: loss of function.

Allele frequency attached by ClinVar (database versions not stated): gnomAD exomes below 0.00001; ExAC 0.00001.
gnomAD v4.1: 1 of 1,613,998 alleles (0.000062%); highest among the groups gnomAD compares: South Asian, 0.0011%; no homozygotes.

Submissions (2):

Labcorp Genetics (formerly Invitae), Labcorp
Classification: Uncertain significance for Leber congenital amaurosis 2; Retinitis pigmentosa 20. Last evaluated: 2023-12-05. Review status: criteria provided, single submitter. Criteria: Invitae Variant Classification Sherloc (09022015). Collection method: clinical testing. Allele origin: germline.
Comment: This sequence change replaces alanine, which is neutral and non-polar, with aspartic acid, which is acidic and polar, at codon 273 of the RPE65 protein (p.Ala273Asp). This variant is present in population databases (rs746668196, gnomAD 0.003%). This variant has not been reported in the literature in individuals affected with RPE65-related conditions. ClinVar contains an entry for this variant (Variation ID: 2539282). Advanced modeling of protein sequence and biophysical properties (such as structural, functional, and spatial information, amino acid conservation, physicochemical variation, residue mobility, and thermodynamic stability) performed at Invitae indicates that this missense variant is expected to disrupt RPE65 protein function with a positive predictive value of 95%. In summary, the available evidence is currently insufficient to determine the role of this variant in disease. Therefore, it has been classified as a Variant of Uncertain Significance.

Ambry Genetics
Classification: Uncertain significance for Inborn genetic diseases. Last evaluated: 2023-04-20. Review status: criteria provided, single submitter. Criteria: Ambry Variant Classification Scheme 2023. Collection method: clinical testing. Allele origin: germline.

NM_000329.3(RPE65):c.818C>A (p.Ala273Asp)

Gene: RPE65 (retinoid isomerohydrolase RPE65; minus strand). Cytogenetic location: 1p31.3.
Variant type: single nucleotide variant.
Coding change: c.818C>A on transcript NM_000329.3 (MANE Select); coding-DNA position 818, C replaced by A.
Protein change: p.Ala273Asp; replaces alanine 273 with aspartic acid.
Molecular consequence: missense variant.
Genome position (GRCh38, 1-based): chr1:68,439,231, G>T on the plus strand (C>A on the coding strand, the complement: RPE65 is on the minus strand). VCF-style: chr1-68439231-G-T. GRCh37 (hg19) VCF-style: chr1-68904914-G-T.
Other names: c.710C>A, p.Ala237Asp (NM_001406853.1); c.542C>A, p.Ala181Asp (NM_001406856.1, NM_001406857.1); c.818C>A, p.Ala273Asp (NM_001406859.1); short protein forms A181D, A237D, A273D.
Identifiers: ClinVar variation 2539282 (VCV002539282.5), dbSNP rs746668196, ClinGen allele CA902390.